The following is an entry in ClinVar:

NM_000789.4(ACE):c.2186G>A (p.Arg729Gln)

Gene: ACE (angiotensin I converting enzyme; plus strand). Cytogenetic location: 17q23.3.
Variant type: single nucleotide variant.
Coding change: c.2186G>A on transcript NM_000789.4 (MANE Select); coding-DNA position 2186, G replaced by A.
Protein change: p.Arg729Gln; replaces arginine 729 with glutamine.
Molecular consequence: missense variant. On other transcripts: non-coding transcript variant (1).
Genome position (GRCh38, 1-based): chr17:63,486,684, G>A. VCF-style: chr17-63486684-G-A. GRCh37 (hg19) VCF-style: chr17-61564045-G-A.
Other names: c.464G>A, p.Arg155Gln (NM_001178057.2, NM_152830.3); c.1619G>A, p.Arg540Gln (NM_001382700.1); c.1334G>A, p.Arg445Gln (NM_001382701.1); c.116G>A, p.Arg39Gln (NM_001382702.1); short protein forms R155Q, R445Q, R39Q, R540Q, R729Q.
Identifiers: ClinVar variation 2193612 (VCV002193612.4), dbSNP rs201527082, ClinGen allele CA8699955.

ClinVar aggregate classification (germline): Uncertain significance (1 of 4 stars; one submission).

Allele frequency attached by ClinVar (database versions not stated): gnomAD 0.00001; ExAC 0.00003; gnomAD exomes 0.00003; 1000 Genomes Project 30x 0.00016; 1000 Genomes Project 0.00020.
gnomAD v4.1: 39 of 1,614,222 alleles (0.0024%); highest among the groups gnomAD compares: East Asian, 0.078%; no homozygotes.

Submission:

Labcorp Genetics (formerly Invitae), Labcorp
Classification: Uncertain significance. Last evaluated: 2024-06-03. Review status: criteria provided, single submitter. Criteria: Invitae Variant Classification Sherloc (09022015). Collection method: clinical testing. Allele origin: germline.
Comment: This sequence change replaces arginine, which is basic and polar, with glutamine, which is neutral and polar, at codon 729 of the ACE protein (p.Arg729Gln). This variant is present in population databases (rs201527082, gnomAD 0.03%). This missense change has been observed in individual(s) with clinical features of ACE-related conditions (PMID: 32164334). ClinVar contains an entry for this variant (Variation ID: 2193612). Advanced modeling of protein sequence and biophysical properties (such as structural, functional, and spatial information, amino acid conservation, physicochemical variation, residue mobility, and thermodynamic stability) performed at Invitae indicates that this missense variant is not expected to disrupt ACE protein function with a negative predictive value of 80%. In summary, the available evidence is currently insufficient to determine the role of this variant in disease. Therefore, it has been classified as a Variant of Uncertain Significance.

Literature cited by the submitters: PubMed 32164334.